The following is an entry in ClinVar:

ClinVar aggregate classification (germline): Uncertain significance (1 of 4 stars; one submission).

Allele frequency attached by ClinVar (database versions not stated): gnomAD exomes below 0.00001.
gnomAD v4.1: 10 of 1,613,142 alleles (0.00062%); highest among the groups gnomAD compares: African/African-American, 0.0027%; no homozygotes.

Submission:

Labcorp Genetics (formerly Invitae), Labcorp
Classification: Uncertain significance. Last evaluated: 2022-09-09. Review status: criteria provided, single submitter. Criteria: Invitae Variant Classification Sherloc (09022015). Collection method: clinical testing. Allele origin: germline.
Comment: This variant is present in population databases (no rsID available, gnomAD 0.003%). This sequence change replaces alanine, which is neutral and non-polar, with valine, which is neutral and non-polar, at codon 465 of the C9 protein (p.Ala465Val). This variant has not been reported in the literature in individuals affected with C9-related conditions. Advanced modeling of protein sequence and biophysical properties (such as structural, functional, and spatial information, amino acid conservation, physicochemical variation, residue mobility, and thermodynamic stability) performed at Invitae indicates that this missense variant is expected to disrupt C9 protein function. In summary, the available evidence is currently insufficient to determine the role of this variant in disease. Therefore, it has been classified as a Variant of Uncertain Significance.

NM_001737.5(C9):c.1394C>T (p.Ala465Val)

Gene: C9 (complement C9; minus strand). Cytogenetic location: 5p13.1.
Variant type: single nucleotide variant.
Coding change: c.1394C>T on transcript NM_001737.5 (MANE Select); coding-DNA position 1394, C replaced by T.
Protein change: p.Ala465Val; replaces alanine 465 with valine.
Molecular consequence: missense variant.
Genome position (GRCh38, 1-based): chr5:39,306,639, G>A on the plus strand (C>T on the coding strand, the complement: C9 is on the minus strand). VCF-style: chr5-39306639-G-A. GRCh37 (hg19) VCF-style: chr5-39306741-G-A.
Other names: short protein forms A465V.
Identifiers: ClinVar variation 2140726 (VCV002140726.4), dbSNP rs984436339, ClinGen allele CA117169907.
Genomic context (GRCh38, chr5:39,306,639, plus strand): 5'-GACACAGTCTTCTGTTTGAAAATAAACACGTTTCTTACTTTTTGACTAATGAGAACAGGA[G>A]CATCATTTATGGAAGAGGCCCAGTTGACAAAGTCAGTCACATCAATCACGGTTCCTCGGA-3'
Protein context (NP_001728.1, residues 455-475): FVNWASSIND[Ala465Val]PVLISQKLSP